The following is an entry in ClinVar:

NM_016122.3(CEP83):c.1655A>T (p.Lys552Met)

Gene: CEP83 (centrosomal protein 83; minus strand). Cytogenetic location: 12q22.
Variant type: single nucleotide variant.
Coding change: c.1655A>T on transcript NM_016122.3 (MANE Select); coding-DNA position 1655, A replaced by T.
Protein change: p.Lys552Met; replaces lysine 552 with methionine.
Molecular consequence: missense variant. On other transcripts: non-coding transcript variant (2).
Genome position (GRCh38, 1-based): chr12:94,331,752, T>A on the plus strand (A>T on the coding strand, the complement: CEP83 is on the minus strand). VCF-style: chr12-94331752-T-A. GRCh37 (hg19) VCF-style: chr12-94725528-T-A.
Other names: c.1655A>T, p.Lys552Met (NM_001042399.2, NM_001346457.2, NM_001368037.1 and 1 more transcripts); c.1343A>T, p.Lys448Met (NM_001346458.2, NM_001346459.2, NM_001368039.1 and 1 more transcripts); c.1430A>T, p.Lys477Met (NM_001368041.1); short protein forms K552M, K448M, K477M.
Identifiers: ClinVar variation 1384048 (VCV001384048.5), dbSNP rs377015196, ClinGen allele CA242058006.

ClinVar aggregate classification (germline): Uncertain significance (1 of 4 stars; one submission).

Conditions:
Nephronophthisis 18 (NPHP18). Identifiers: Orphanet 655, MedGen C3890591, MONDO:0014374, OMIM 615862.

Allele frequency attached by ClinVar (database versions not stated): gnomAD exomes below 0.00001 and 0.00001; TOPMed 0.00004; gnomAD 0.00005 and 0.00006; ESP Exome Variant Server 0.00008.
gnomAD v4.1: 12 of 1,613,974 alleles (0.00074%); highest among the groups gnomAD compares: African/African-American, 0.015%; no homozygotes.

Submission:

Labcorp Genetics (formerly Invitae), Labcorp
Classification: Uncertain significance for Nephronophthisis 18. Last evaluated: 2022-06-23. Review status: criteria provided, single submitter. Criteria: Invitae Variant Classification Sherloc (09022015). Collection method: clinical testing. Allele origin: germline.
Comment: This sequence change replaces lysine, which is basic and polar, with methionine, which is neutral and non-polar, at codon 552 of the CEP83 protein (p.Lys552Met). This variant is present in population databases (rs377015196, gnomAD 0.02%). This variant has not been reported in the literature in individuals affected with CEP83-related conditions. Algorithms developed to predict the effect of missense changes on protein structure and function are either unavailable or do not agree on the potential impact of this missense change (SIFT: "Not Available"; PolyPhen-2: "Probably Damaging"; Align-GVGD: "Not Available"). In summary, the available evidence is currently insufficient to determine the role of this variant in disease. Therefore, it has been classified as a Variant of Uncertain Significance.